The following is an entry in ClinVar:

ClinVar aggregate classification (germline): Uncertain significance (1 of 4 stars; one submission).

Submission:

Labcorp Genetics (formerly Invitae), Labcorp
Classification: Uncertain significance. Last evaluated: 2022-08-17. Review status: criteria provided, single submitter. Criteria: Invitae Variant Classification Sherloc (09022015). Collection method: clinical testing. Allele origin: germline.
Comment: This sequence change falls in intron 19 of the MAP3K20 gene. It does not directly change the encoded amino acid sequence of the MAP3K20 protein. This variant is not present in population databases (gnomAD no frequency). This variant has not been reported in the literature in individuals affected with MAP3K20-related conditions. Experimental studies and prediction algorithms are not available or were not evaluated, and the effect of this variant on mRNA splicing is currently unknown. In summary, the available evidence is currently insufficient to determine the role of this variant in disease. Therefore, it has been classified as a Variant of Uncertain Significance.

NM_016653.3(MAP3K20):c.1702+7dup

Genes: MAP3K20 (mitogen-activated protein kinase kinase kinase 20; plus strand), MAP3K20-AS1 (MAP3K20 antisense RNA 1; minus strand). Cytogenetic location: 2q31.1.
Variant type: Duplication.
Coding change: c.1702+7dup on transcript NM_016653.3 (MANE Select); 7 bases into the intron after coding-DNA position 1702, one base duplicated (T; older notation c.1702+7dupT).
Molecular consequence: intron variant.
Genome position (GRCh38, 1-based): chr2:173,263,902, T duplicated; the last of 2 consecutive T bases (chr2:173,263,901-173,263,902); duplicating either gives the same sequence. VCF-style (leftmost placement, unchanged base first): chr2-173263900-G-GT. GRCh37 (hg19) VCF-style: chr2-174128628-G-GT.
Identifiers: ClinVar variation 2108739 (VCV002108739.4), dbSNP rs2468316337, ClinGen allele CA2580064533.